The following is an entry in ClinVar:

NM_001363711.2(DUOX2):c.605_621del (p.Gln202fs)

Gene: DUOX2 (dual oxidase 2; minus strand). Cytogenetic location: 15q21.1.
Variant type: Deletion.
Coding change: c.605_621del on transcript NM_001363711.2 (MANE Select); coding-DNA positions 605 to 621, 17 bases deleted (AGCTGGCGTCGGGGCCC).
Protein change: p.Gln202fs; shifts the reading frame from glutamine 202.
Molecular consequence: frameshift variant.
Genome position (GRCh38, 1-based): chr15:45,111,478-45,111,494, GGGCCCCGACGCCAGCT deleted on the plus strand (AGCTGGCGTCGGGGCCC on the coding strand, the reverse complement: DUOX2 is on the minus strand); deleting any 17 consecutive bases within chr15:45,111,478-45,111,495 gives the same sequence; the c. name uses the placement nearest the transcript's 3' end. VCF-style (leftmost placement, unchanged base first): chr15-45111477-CGGGCCCCGACGCCAGCT-C. GRCh37 (hg19) VCF-style: chr15-45403675-CGGGCCCCGACGCCAGCT-C.
Other names: c.605_621del, p.Gln202fs (NM_014080.5); short protein forms Q202fs.
Identifiers: ClinVar variation 1027400 (VCV001027400.12), dbSNP rs769318570, ClinGen allele CA7538885.

ClinVar aggregate classification (germline): Pathogenic/Likely pathogenic. Review status: criteria provided, multiple submitters, no conflicts (2 of 4 stars). 6 submissions from 6 submitters: Pathogenic (3); Likely pathogenic (2). 1 of the submissions does not count toward it. Last evaluated 2024-10-10.

Conditions:
Thyroid dyshormonogenesis 6 (TDH6). Also called: THYROID HORMONOGENESIS, GENETIC DEFECT IN, 6; Genetic transient congenital hypothyroidism; HYPOTHYROIDISM, CONGENITAL, DUE TO DYSHORMONOGENESIS, 6. Identifiers: Orphanet 226316, Orphanet 95716, MedGen C1846632, MONDO:0011792, OMIM 607200.
DUOX2-related disorders.

Submissions (6):

Blueprint Genetics
Classification: Pathogenic for DUOX2-related disorders. Last evaluated: 2024-10-10. Review status: criteria provided, single submitter. Criteria: ACMG Guidelines, 2015. Collection method: clinical testing. Allele origin: germline. Affected: yes. Observed: 1 variant allele.

Genetic Services Laboratory, University of Chicago
Classification: Likely pathogenic. Last evaluated: 2024-07-18. Review status: criteria provided, single submitter. Criteria: ACMG Guidelines, 2015. Collection method: clinical testing. Allele origin: germline. Affected: yes.
Comment: DNA sequence analysis of the DUOX2 gene demonstrated a 17 base pair deletion/duplication in exon 6, c.605_621del. This sequence change is predicted to result in an amino acid frameshift and creates a premature stop codon 93 amino acids downstream of the change, p.Gln202Argfs*93. This particular sequence change has not previously been described in individuals with CENPF-related disorders; however, truncating variants downstream of this variant have been identified in individuals with thyroid dyshormonogenesis (PMID: 23239635, 34200080, 26990548). This sequence change has been described in the gnomAD database in one individual, which corresponds to an overall population frequency of 0.00068% (dbSNP rs769318570). Overall, the available evidence indicates that this variant is likely pathogenic.

Fulgent Genetics
Classification: Pathogenic for Thyroid dyshormonogenesis 6. Last evaluated: 2024-01-11. Review status: criteria provided, single submitter. Criteria: ACMG Guidelines, 2015. Collection method: clinical testing. Allele origin: germline.

GeneDx
Classification: Likely pathogenic. Last evaluated: 2022-05-20. Review status: criteria provided, single submitter. Criteria: GeneDx Variant Classification Process June 2021. Collection method: clinical testing. Allele origin: germline. Affected: yes.
Comment: Frameshift variant predicted to result in protein truncation or nonsense mediated decay in a gene for which loss of function is a known mechanism of disease; Not observed at significant frequency in large population cohorts (gnomAD); Reported in association with congenital hypothyroidsim; however it is not known if a second DUOX2 variant was present in these individuals (Matsuo et al., 2016; Long et al., 2018); This variant is associated with the following publications: (PMID: 27166716, 30022773, 31980526, 30420871, 32055599)

Juno Genomics, Hangzhou Juno Genomics, Inc
Classification: Pathogenic for Thyroid dyshormonogenesis 6. Review status: criteria provided, single submitter. Criteria: ACMG Guidelines, 2015. Collection method: clinical testing. Allele origin: germline.
Comment: Null variant in a gene where loss of function (LOF) is a known mechanism of disease.;For recessive disorders, detected in trans with a pathogenic variant.;Patient's phenotype or family history is highly specific for a disease with a single genetic etiology.

Institute of Medical Genetics, Medical University of Vienna
Classification: Pathogenic for Thyroid dyshormonogenesis 6. Last evaluated: 2021-03-10. Review status: no assertion criteria provided. Collection method: clinical testing. Allele origin: germline. Affected: yes. Not counted in ClinVar's aggregate classification.